The following is an entry in ClinVar:

ClinVar aggregate classification (germline): Uncertain significance. Review status: criteria provided, multiple submitters, no conflicts (2 of 4 stars). 2 submissions from 2 submitters: Uncertain significance (2). Last evaluated 2023-01-10.

Conditions:
Inborn genetic diseases. Identifiers: MedGen C0950123, MeSH D030342.
Joubert syndrome 15 (JBTS15). Identifiers: Orphanet 475, MedGen C3280897, MONDO:0013763, OMIM 614464.

Allele frequency attached by ClinVar (database versions not stated): ExAC 0.00001; gnomAD exomes 0.00001; TOPMed 0.00001.
gnomAD v4.1: 8 of 1,614,132 alleles (0.0005%); highest among the groups gnomAD compares: Non-Finnish European, 0.00068%; no homozygotes.

Submissions (2):

Ambry Genetics
Classification: Uncertain significance for Inborn genetic diseases. Last evaluated: 2023-01-10. Review status: criteria provided, single submitter. Criteria: Ambry Variant Classification Scheme 2023. Collection method: clinical testing. Allele origin: germline.

Labcorp Genetics (formerly Invitae), Labcorp
Classification: Uncertain significance for Joubert syndrome 15. Last evaluated: 2022-10-13. Review status: criteria provided, single submitter. Criteria: Invitae Variant Classification Sherloc (09022015). Collection method: clinical testing. Allele origin: germline.
Comment: ClinVar contains an entry for this variant (Variation ID: 1005387). This sequence change replaces glutamine, which is neutral and polar, with glutamic acid, which is acidic and polar, at codon 185 of the CEP41 protein (p.Gln185Glu). This variant is present in population databases (rs782587361, gnomAD 0.0009%). This variant has not been reported in the literature in individuals affected with CEP41-related conditions. Advanced modeling of protein sequence and biophysical properties (such as structural, functional, and spatial information, amino acid conservation, physicochemical variation, residue mobility, and thermodynamic stability) performed at Invitae indicates that this missense variant is not expected to disrupt CEP41 protein function. In summary, the available evidence is currently insufficient to determine the role of this variant in disease. Therefore, it has been classified as a Variant of Uncertain Significance.

NM_018718.3(CEP41):c.553C>G (p.Gln185Glu)

Gene: CEP41 (centrosomal protein 41; minus strand). Cytogenetic location: 7q32.2.
Variant type: single nucleotide variant.
Coding change: c.553C>G on transcript NM_018718.3 (MANE Select); coding-DNA position 553, C replaced by G.
Protein change: p.Gln185Glu; replaces glutamine 185 with glutamic acid.
Molecular consequence: missense variant. On other transcripts: non-coding transcript variant (1).
Genome position (GRCh38, 1-based): chr7:130,402,669, G>C on the plus strand (C>G on the coding strand, the complement: CEP41 is on the minus strand). VCF-style: chr7-130402669-G-C. GRCh37 (hg19) VCF-style: chr7-130042510-G-C.
Other names: c.553C>G, p.Gln185Glu (NM_001257158.2); c.505C>G, p.Gln169Glu (NM_001257159.2); c.553C>G (NM_018718.1); short protein forms Q169E, Q185E.
Identifiers: ClinVar variation 1005387 (VCV001005387.12), dbSNP rs782587361, ClinGen allele CA4485554.
Genomic context (GRCh38, chr7:130,402,669, plus strand): 5'-TCTTGAGAGTGAGGCACTTTAAAGCCTTCTCTCTCTTACCTCCAACAATGTGGCACTGCT[G>C]GTAAGAATCTCTATCACGCACATCTAGCAGCAGGAAGGGGCAGTCAGGATAAGGTTTGTC-3'
Protein context (NP_061188.1, residues 175-195): LLDVRDRDSY[Gln185Glu]QCHIVGAYSY